The following is an entry in ClinVar:

NM_004826.4(ECEL1):c.2046G>A (p.Leu682=)

Gene: ECEL1 (endothelin converting enzyme like 1; minus strand). Cytogenetic location: 2q37.1.
Variant type: single nucleotide variant.
Coding change: c.2046G>A on transcript NM_004826.4 (MANE Select); coding-DNA position 2046, G replaced by A.
Protein change: p.Leu682=; no amino-acid change (leucine 682 retained).
Molecular consequence: synonymous variant.
Genome position (GRCh38, 1-based): chr2:232,481,100, C>T on the plus strand (G>A on the coding strand, the complement: ECEL1 is on the minus strand). VCF-style: chr2-232481100-C-T. GRCh37 (hg19) VCF-style: chr2-233345810-C-T.
Other names: c.2040G>A, p.Leu680= (NM_001290787.2).
Identifiers: ClinVar variation 4822767 (VCV004822767.4).

ClinVar aggregate classification (germline): Likely benign (1 of 4 stars; one submission).

gnomAD v4.1: 32 of 1,560,992 alleles (0.002%); highest among the groups gnomAD compares: Admixed American, 0.061%; no homozygotes.

Submission:

CeGaT Center for Human Genetics Tuebingen
Classification: Likely benign. Last evaluated: 2026-03-01. Review status: criteria provided, single submitter. Criteria: CeGaT Center For Human Genetics Tuebingen Variant Classification Criteria Version 2. Collection method: clinical testing. Allele origin: germline. Affected: yes. Observed: 1 variant allele.
Comment: ECEL1: BP4, BP7